The following is an entry in ClinVar:

NM_052876.4(NACC1):c.224C>G (p.Pro75Arg)

Gene: NACC1 (nucleus accumbens associated 1; plus strand). Cytogenetic location: 19p13.13.
Variant type: single nucleotide variant.
Coding change: c.224C>G on transcript NM_052876.4 (MANE Select); coding-DNA position 224, C replaced by G.
Protein change: p.Pro75Arg; replaces proline 75 with arginine.
Molecular consequence: missense variant.
Genome position (GRCh38, 1-based): chr19:13,135,431, C>G. VCF-style: chr19-13135431-C-G. GRCh37 (hg19) VCF-style: chr19-13246245-C-G.
Other names: short protein forms P75R.
Identifiers: ClinVar variation 3573519 (VCV003573519.1).
Genomic context (GRCh38, chr19:13,135,431, plus strand): 5'-TCCGGGACCTGTTCAACAACAGCCGCAGCGCCGTGGTGGAGCTGCCGGCGGCTGTGCAGC[C>G]CCAGTCTTTCCAGCAGATCCTCAGCTTCTGCTACACGGGCCGGCTGAGCATGAACGTGGG-3'
Protein context (NP_443108.1, residues 65-85): AVVELPAAVQ[Pro75Arg]QSFQQILSFC

ClinVar aggregate classification (germline): Uncertain significance (1 of 4 stars; one submission).

Submission:

GeneDx
Classification: Uncertain significance. Last evaluated: 2024-07-19. Review status: criteria provided, single submitter. Criteria: GeneDx Variant Classification Process June 2021. Collection method: clinical testing. Allele origin: germline. Affected: yes.
Comment: Not observed at significant frequency in large population cohorts (gnomAD); In silico analysis supports that this missense variant has a deleterious effect on protein structure/function; Has not been previously published as pathogenic or benign to our knowledge